The following is an entry in ClinVar:

ClinVar aggregate classification (germline): Likely benign. Review status: criteria provided, multiple submitters, no conflicts (2 of 4 stars). 4 submissions from 4 submitters: Likely benign (3). 1 of the submissions does not count toward it. Last evaluated 2025-10-14.

Conditions:
Mucolipidosis type IV (ML4). Also called: ML IV. Identifiers: Orphanet 578, MedGen C0238286, MONDO:0009653, OMIM 252650.

Allele frequency attached by ClinVar (database versions not stated): ExAC 0.00001; gnomAD exomes 0.00001 and 0.00002; gnomAD 0.00002 and 0.00003; TOPMed 0.00003.

Submissions (4):

Labcorp Genetics (formerly Invitae), Labcorp
Classification: Likely benign for Mucolipidosis type IV. Last evaluated: 2025-10-14. Review status: criteria provided, single submitter. Criteria: Invitae Variant Classification Sherloc (09022015). Collection method: clinical testing. Allele origin: germline.

Blueprint Genetics
Classification: Likely benign. Last evaluated: 2023-11-22. Review status: criteria provided, single submitter. Criteria: ACMG Guidelines, 2015. Collection method: clinical testing. Allele origin: germline.

CeGaT Center for Human Genetics Tuebingen
Classification: Likely benign. Last evaluated: 2022-05-01. Review status: criteria provided, single submitter. Criteria: CeGaT Center For Human Genetics Tuebingen Variant Classification Criteria Version 2. Collection method: clinical testing. Allele origin: germline. Affected: yes. Observed: 1 variant allele.
Comment: MCOLN1: BP4, BP7

Natera, Inc.
Classification: Likely benign for Mucolipidosis type IV. Last evaluated: 2021-01-19. Review status: no assertion criteria provided. Collection method: clinical testing. Allele origin: germline. Not counted in ClinVar's aggregate classification.

NM_020533.3(MCOLN1):c.1182G>A (p.Thr394=)

Gene: MCOLN1 (mucolipin TRP cation channel 1; plus strand). Cytogenetic location: 19p13.2.
Variant type: single nucleotide variant.
Coding change: c.1182G>A on transcript NM_020533.3 (MANE Select); coding-DNA position 1182, G replaced by A.
Protein change: p.Thr394=; no amino-acid change (threonine 394 retained).
Molecular consequence: synonymous variant.
Genome position (GRCh38, 1-based): chr19:7,529,148, G>A. VCF-style: chr19-7529148-G-A. GRCh37 (hg19) VCF-style: chr19-7594034-G-A.
Identifiers: ClinVar variation 711548 (VCV000711548.46), dbSNP rs755029960, ClinGen allele CA9139079.